The following is an entry in ClinVar:

ClinVar aggregate classification (germline): Pathogenic (1 of 4 stars; one submission).

Conditions:
Epilepsy, childhood absence, susceptibility to, 1. Also called: Epilepsy, childhood absence 1. Identifiers: Orphanet 64280, MedGen C1838604, MONDO:0020759, OMIM 600131.
Epilepsy, childhood absence, susceptibility to, 5. Identifiers: Orphanet 64280, MedGen C2677087, MONDO:0012843, OMIM 612269.

Submission:

Labcorp Genetics (formerly Invitae), Labcorp
Classification: Pathogenic for Epilepsy, childhood absence, susceptibility to, 5; Epilepsy, childhood absence, susceptibility to, 1. Last evaluated: 2025-09-05. Review status: criteria provided, single submitter. Criteria: Invitae Variant Classification Sherloc (09022015). Collection method: clinical testing. Allele origin: germline.
Comment: This sequence change replaces leucine, which is neutral and non-polar, with arginine, which is basic and polar, at codon 248 of the GABRB3 protein (p.Leu248Arg). This variant is not present in population databases (gnomAD no frequency). This missense change has been observed in individual(s) with developmental and epileptic encephalopathy (internal data). In at least one individual the variant was observed to be de novo. Invitae Evidence Modeling of protein sequence and biophysical properties (such as structural, functional, and spatial information, amino acid conservation, physicochemical variation, residue mobility, and thermodynamic stability) indicates that this missense variant is expected to disrupt GABRB3 protein function with a positive predictive value of 95%. For these reasons, this variant has been classified as Pathogenic.

NM_000814.6(GABRB3):c.743T>G (p.Leu248Arg)

Gene: GABRB3 (gamma-aminobutyric acid type A receptor subunit beta3; minus strand). Cytogenetic location: 15q12.
Variant type: single nucleotide variant.
Coding change: c.743T>G on transcript NM_000814.6 (MANE Select); coding-DNA position 743, T replaced by G.
Protein change: p.Leu248Arg; replaces leucine 248 with arginine.
Molecular consequence: missense variant.
Genome position (GRCh38, 1-based): chr15:26,567,673, A>C on the plus strand (T>G on the coding strand, the complement: GABRB3 is on the minus strand). VCF-style: chr15-26567673-A-C. GRCh37 (hg19) VCF-style: chr15-26812820-A-C.
Other names: c.488T>G, p.Leu163Arg (NM_001191320.2, NM_001278631.2); c.530T>G, p.Leu177Arg (NM_001191321.3); c.743T>G, p.Leu248Arg (NM_021912.5); short protein forms L163R, L177R, L248R.
Identifiers: ClinVar variation 4789620 (VCV004789620.1).
Genomic context (GRCh38, chr15:26,567,673, plus strand): 5'-TTGATCCAGAAGGACACCCACGACAGAATCGTTATCAGTATAGAGGGCATATAAGTCTGA[A>C]GAATGAAGTATCCAATGTTCCTCTTCAACCGAAAGCTCAGTGACAGTCGAGGATAGGCAC-3'
Protein context (NP_000805.1, residues 238-258): RLKRNIGYFI[Leu248Arg]QTYMPSILIT